The following is an entry in ClinVar:

NM_004260.4(RECQL4):c.42G>A (p.Trp14Ter)

Genes: RECQL4 (RecQ like helicase 4; minus strand), LOC130001411 (ATAC-STARR-seq lymphoblastoid silent region 19699; plus strand). Cytogenetic location: 8q24.3.
Variant type: single nucleotide variant.
Coding change: c.42G>A on transcript NM_004260.4 (MANE Select); coding-DNA position 42, G replaced by A.
Protein change: p.Trp14Ter; replaces tryptophan 14 with a stop codon.
Molecular consequence: nonsense.
Genome position (GRCh38, 1-based): chr8:144,517,743, C>T on the plus strand (G>A on the coding strand, the complement: RECQL4 is on the minus strand). VCF-style: chr8-144517743-C-T. GRCh37 (hg19) VCF-style: chr8-145743127-C-T.
Other names: short protein forms W14*.
Identifiers: ClinVar variation 1073335 (VCV001073335.5), dbSNP rs1330614261, ClinGen allele CA372693852.

ClinVar aggregate classification (germline): Pathogenic (1 of 4 stars; one submission).

Conditions:
Baller-Gerold syndrome (BGS). Also called: CRANIOSYNOSTOSIS WITH RADIAL DEFECTS. Identifiers: Orphanet 1225, MedGen C0265308, MONDO:0009039, OMIM 218600.

Allele frequency attached by ClinVar (database versions not stated): gnomAD 0.00001.

Submission:

Labcorp Genetics (formerly Invitae), Labcorp
Classification: Pathogenic for Baller-Gerold syndrome. Last evaluated: 2020-08-20. Review status: criteria provided, single submitter. Criteria: Invitae Variant Classification Sherloc (09022015). Collection method: clinical testing. Allele origin: germline.
Comment: Loss-of-function variants in RECQL4 are known to be pathogenic (PMID: 12734318, 12952869). This variant has not been reported in the literature in individuals with RECQL4-related conditions. The frequency data for this variant in the population databases is considered unreliable, as metrics indicate insufficient coverage at this position in the ExAC database. This sequence change creates a premature translational stop signal (p.Trp14*) in the RECQL4 gene. It is expected to result in an absent or disrupted protein product. For these reasons, this variant has been classified as Pathogenic.

Literature cited by the submitters: PubMed 12734318; PubMed 12952869.